The following is an entry in ClinVar:

NM_001290060.2(SEMA3B):c.646G>A (p.Asp216Asn)

Gene: SEMA3B (semaphorin 3B; plus strand). Cytogenetic location: 3p21.31.
Variant type: single nucleotide variant.
Coding change: c.646G>A on transcript NM_001290060.2 (MANE Select); coding-DNA position 646, G replaced by A.
Protein change: p.Asp216Asn; replaces aspartic acid 216 with asparagine.
Molecular consequence: missense variant.
Genome position (GRCh38, 1-based): chr3:50,271,462, G>A. VCF-style: chr3-50271462-G-A. GRCh37 (hg19) VCF-style: chr3-50308893-G-A.
Other names: c.646G>A, p.Asp216Asn (NM_001005914.3, NM_001290061.1, NM_004636.4); short protein forms D216N.
Identifiers: ClinVar variation 3357179 (VCV003357179.1).

ClinVar aggregate classification (germline): Uncertain significance (0 of 4 stars; one submission).

Conditions:
SEMA3B-related disorder. Also called: SEMA3B-related condition.

Submission:

PreventionGenetics, part of Exact Sciences
Classification: Uncertain significance for SEMA3B-related condition. Last evaluated: 2024-08-19. Review status: no assertion criteria provided. Collection method: clinical testing. Allele origin: germline.
Comment: The SEMA3B c.646G>A variant is predicted to result in the amino acid substitution p.Asp216Asn. To our knowledge, this variant has not been reported in the literature. This variant is reported in 0.038% of alleles in individuals of South Asian descent in gnomAD. At this time, the clinical significance of this variant is uncertain due to the absence of conclusive functional and genetic evidence.